The following is an entry in ClinVar:

NM_006206.6(PDGFRA):c.3083T>C (p.Val1028Ala)

Gene: PDGFRA (platelet derived growth factor receptor alpha; plus strand). Cytogenetic location: 4q12.
Variant type: single nucleotide variant.
Coding change: c.3083T>C on transcript NM_006206.6 (MANE Select); coding-DNA position 3083, T replaced by C.
Protein change: p.Val1028Ala; replaces valine 1028 with alanine.
Molecular consequence: missense variant.
Genome position (GRCh38, 1-based): chr4:54,290,515, T>C. VCF-style: chr4-54290515-T-C. GRCh37 (hg19) VCF-style: chr4-55156682-T-C.
Other names: c.3083T>C (NM_006206.5); c.3158T>C, p.Val1053Ala (NM_001347828.2); c.3083T>C, p.Val1028Ala (NM_001347829.2); c.3122T>C, p.Val1041Ala (NM_001347830.2); short protein forms V1028A, V1041A, V1053A.
Identifiers: ClinVar variation 240342 (VCV000240342.12), dbSNP rs765476521, ClinGen allele CA2923024.

ClinVar aggregate classification (germline): Conflicting classifications of pathogenicity. Review status: criteria provided, conflicting classifications (1 of 4 stars). 5 submissions from 5 submitters: Uncertain significance (3); Likely benign (2). Last evaluated 2026-06-16.

Conditions:
Polyps, multiple and recurrent inflammatory fibroid, gastrointestinal. Identifiers: MedGen C5193005, MONDO:0008285, OMIM 175510.
PDGFRA-related disorder. Also called: PDGFRA-related condition.
Hereditary cancer-predisposing syndrome. Also called: Neoplastic Syndromes, Hereditary; Hereditary neoplastic syndrome; Hereditary Cancer Syndrome; Tumor predisposition. Identifiers: Orphanet 140162, MedGen C0027672, MeSH D009386, MONDO:0015356.
Gastrointestinal stromal tumor. Also called: Gastrointestinal stromal tumor, somatic; Gastrointestinal stroma tumor. Identifiers: Orphanet 44890, MedGen C0238198, MeSH D046152, MONDO:0011719, OMIM 606764, HP:0100723.

Allele frequency attached by ClinVar (database versions not stated): gnomAD 0.00002; ExAC 0.00003; TOPMed 0.00003.
gnomAD v4.1: 36 of 1,614,046 alleles (0.0022%); highest among the groups gnomAD compares: Non-Finnish European, 0.0029%; no homozygotes.

Submissions (5):

Myriad Genetics, Inc.
Classification: Likely benign for Polyps, multiple and recurrent inflammatory fibroid, gastrointestinal. Last evaluated: 2026-06-16. Review status: criteria provided, single submitter. Criteria: Myriad Autosomal Dominant, Autosomal Recessive and X-Linked Classification Criteria (2023). Collection method: clinical testing. Allele origin: unknown.
Comment: This variant is considered likely benign. This variant has been observed at a population frequency that is significantly greater than expected given the associated disease prevalence and penetrance.

Labcorp Genetics (formerly Invitae), Labcorp
Classification: Uncertain significance for Gastrointestinal stromal tumor. Last evaluated: 2026-01-21. Review status: criteria provided, single submitter. Criteria: Invitae Variant Classification Sherloc (09022015). Collection method: clinical testing. Allele origin: germline.
Comment: This sequence change replaces valine, which is neutral and non-polar, with alanine, which is neutral and non-polar, at codon 1028 of the PDGFRA protein (p.Val1028Ala). This variant is present in population databases (rs765476521, gnomAD 0.005%). This variant has not been reported in the literature in individuals affected with PDGFRA-related conditions. ClinVar contains an entry for this variant (Variation ID: 240342). Invitae Evidence Modeling of protein sequence and biophysical properties (such as structural, functional, and spatial information, amino acid conservation, physicochemical variation, residue mobility, and thermodynamic stability) indicates that this missense variant is not expected to disrupt PDGFRA protein function with a negative predictive value of 80%. In summary, the available evidence is currently insufficient to determine the role of this variant in disease. Therefore, it has been classified as a Variant of Uncertain Significance.

PreventionGenetics, part of Exact Sciences
Classification: Uncertain significance for PDGFRA-related condition. Last evaluated: 2025-11-09. Review status: criteria provided, single submitter. Criteria: ACMG Guidelines, 2015. Collection method: clinical testing. Allele origin: germline.
Comment: The PDGFRA c.3083T>C variant is predicted to result in the amino acid substitution p.Val1028Ala. To our knowledge, this variant has not been reported in the literature. This variant is reported in 0.0062% of alleles in individuals of European (Non-Finnish) descent in gnomAD and has conflicting interpretations of pathogenicity in ClinVar ranging from likely benign to uncertain (Variation ID: 240342). At this time, the clinical significance of this variant is uncertain due to the absence of conclusive functional and genetic evidence.

GeneDx
Classification: Uncertain significance. Last evaluated: 2023-09-26. Review status: criteria provided, single submitter. Criteria: GeneDx Variant Classification Process June 2021. Collection method: clinical testing. Allele origin: germline. Affected: yes.
Comment: In silico analysis supports that this missense variant does not alter protein structure/function; Has not been previously published as pathogenic or benign to our knowledge

Ambry Genetics
Classification: Likely benign for Hereditary cancer-predisposing syndrome. Last evaluated: 2019-10-02. Review status: criteria provided, single submitter. Criteria: Ambry Variant Classification Scheme 2023. Collection method: clinical testing. Allele origin: germline.